The following is an entry in ClinVar:

ClinVar aggregate classification (germline): Uncertain significance (1 of 4 stars; one submission).

Conditions:
Legius syndrome. Identifiers: Orphanet 137605, MedGen C1969623, MONDO:0012669, OMIM 611431. Disease mechanism: loss of function.

Submission:

Labcorp Genetics (formerly Invitae), Labcorp
Classification: Uncertain significance for Legius syndrome. Last evaluated: 2020-06-15. Review status: criteria provided, single submitter. Criteria: Invitae Variant Classification Sherloc (09022015). Collection method: clinical testing. Allele origin: germline.
Comment: This sequence change falls in intron 4 of the SPRED1 gene. It does not directly change the encoded amino acid sequence of the SPRED1 protein, but it affects a nucleotide within the consensus splice site of the intron. This variant is not present in population databases (ExAC no frequency). This variant has not been reported in the literature in individuals with SPRED1-related conditions. Nucleotide substitutions within the consensus splice site are a relatively common cause of aberrant splicing (PMID: 17576681, 9536098). Algorithms developed to predict the effect of sequence changes on RNA splicing suggest that this variant may disrupt the consensus splice site, but this prediction has not been confirmed by published transcriptional studies. In summary, the available evidence is currently insufficient to determine the role of this variant in disease. Therefore, it has been classified as a Variant of Uncertain Significance.

Literature cited by the submitters: PubMed 17576681; PubMed 9536098.

NM_152594.3(SPRED1):c.423+5_423+8del

Gene: SPRED1 (sprouty related EVH1 domain containing 1; plus strand). Cytogenetic location: 15q14.
Variant type: Microsatellite.
Coding change: c.423+5_423+8del on transcript NM_152594.3 (MANE Select); bases 5 to 8 of the intron after coding-DNA position 423, 4 bases deleted (GTAA; older notation c.423+5_423+8delGTAA).
Molecular consequence: splice donor variant.
Genome position (GRCh38, 1-based): chr15:38,324,814-38,324,817, GTAA deleted; deleting any 4 consecutive bases within chr15:38,324,808-38,324,817 gives the same sequence; the c. name uses the placement nearest the transcript's 3' end. VCF-style (leftmost placement, unchanged base first): chr15-38324807-CAAGT-C. GRCh37 (hg19) VCF-style: chr15-38617008-CAAGT-C.
Identifiers: ClinVar variation 1017928 (VCV001017928.7), dbSNP rs1895679212, ClinGen allele CA2170800492.